The following is an entry in ClinVar:

ClinVar aggregate classification (germline): Uncertain significance. Review status: criteria provided, single submitter (1 of 4 stars). 2 submissions from 2 submitters: Uncertain significance (1). 1 of the submissions does not count toward it. Last evaluated 2022-09-01.

Conditions:
AFF4-related disorder. Also called: AFF4-related condition.

Submissions (2):

CeGaT Center for Human Genetics Tuebingen
Classification: Uncertain significance. Last evaluated: 2022-09-01. Review status: criteria provided, single submitter. Criteria: CeGaT Center For Human Genetics Tuebingen Variant Classification Criteria Version 2. Collection method: clinical testing. Allele origin: germline. Affected: yes. Observed: 1 variant allele.
Comment: AFF4: PM4

PreventionGenetics, part of Exact Sciences
Classification: Uncertain significance for AFF4-related condition. Last evaluated: 2024-06-17. Review status: no assertion criteria provided. Collection method: clinical testing. Allele origin: germline. Not counted in ClinVar's aggregate classification.
Comment: The AFF4 c.1843_1845delAAG variant is predicted to result in an in-frame deletion (p.Lys615del). To our knowledge, this variant has not been reported in the literature. This variant is reported in 0.0027% of alleles in individuals of European (Non-Finnish) descent in gnomAD. At this time, the clinical significance of this variant is uncertain due to the absence of conclusive functional and genetic evidence.

NM_014423.4(AFF4):c.1840AAG[1] (p.Lys615del)

Gene: AFF4 (ALF transcription elongation factor 4; minus strand). Cytogenetic location: 5q31.1.
Variant type: Microsatellite.
Coding change: c.1840AAG[1] on transcript NM_014423.4 (MANE Select); one copy of the 3-base unit AAG starting at c.1840; the reference has two copies in a row; one copy, 3 bases deleted.
Protein change: p.Lys615del; deletes lysine 615.
Molecular consequence: inframe deletion.
Genome position (GRCh38, 1-based): chr5:132,896,785-132,896,787, CTT deleted on the plus strand (AAG on the coding strand, the reverse complement: AFF4 is on the minus strand); deleting any 3 consecutive bases within chr5:132,896,785-132,896,790 gives the same sequence; the position shown is the placement nearest the transcript's 3' end. VCF-style (leftmost placement, unchanged base first): chr5-132896784-CCTT-C. GRCh37 (hg19) VCF-style: chr5-132232476-CCTT-C.
Other names: c.1843_1845delAAG (NM_014423.3); short protein forms K615del.
Identifiers: ClinVar variation 1711610 (VCV001711610.30), dbSNP rs768885773, ClinGen allele CA127273400.